The following is an entry in ClinVar:

ClinVar aggregate classification (germline): Uncertain significance. Review status: criteria provided, multiple submitters, no conflicts (2 of 4 stars). 2 submissions from 2 submitters: Uncertain significance (2). Last evaluated 2022-05-27.

Conditions:
Werner syndrome (WRN). Identifiers: Orphanet 902, MedGen C0043119, MONDO:0010196, OMIM 277700.

Submissions (2):

Labcorp Genetics (formerly Invitae), Labcorp
Classification: Uncertain significance for Werner syndrome. Last evaluated: 2022-05-27. Review status: criteria provided, single submitter. Criteria: Invitae Variant Classification Sherloc (09022015). Collection method: clinical testing. Allele origin: germline.
Comment: This sequence change replaces aspartic acid, which is acidic and polar, with tyrosine, which is neutral and polar, at codon 68 of the WRN protein (p.Asp68Tyr). This variant is not present in population databases (gnomAD no frequency). This variant has not been reported in the literature in individuals affected with WRN-related conditions. Algorithms developed to predict the effect of missense changes on protein structure and function are either unavailable or do not agree on the potential impact of this missense change (SIFT: "Not Available"; PolyPhen-2: "Probably Damaging"; Align-GVGD: "Not Available"). In summary, the available evidence is currently insufficient to determine the role of this variant in disease. Therefore, it has been classified as a Variant of Uncertain Significance.

Fulgent Genetics
Classification: Uncertain significance for Werner syndrome. Last evaluated: 2021-09-07. Review status: criteria provided, single submitter. Criteria: ACMG Guidelines, 2015. Collection method: clinical testing. Allele origin: unknown.

NM_000553.6(WRN):c.202G>T (p.Asp68Tyr)

Gene: WRN (WRN RecQ like helicase; plus strand). Cytogenetic location: 8p12.
Variant type: single nucleotide variant.
Coding change: c.202G>T on transcript NM_000553.6 (MANE Select); coding-DNA position 202, G replaced by T.
Protein change: p.Asp68Tyr; replaces aspartic acid 68 with tyrosine.
Molecular consequence: missense variant.
Genome position (GRCh38, 1-based): chr8:31,059,258, G>T. VCF-style: chr8-31059258-G-T. GRCh37 (hg19) VCF-style: chr8-30916774-G-T.
Other names: short protein forms D68Y.
Identifiers: ClinVar variation 1486035 (VCV001486035.9), dbSNP rs2130005767, ClinGen allele CA370912738.
Genomic context (GRCh38, chr8:31,059,258, plus strand): 5'-GAATTCACTGGATCCATTGTGTATAGTTACGATGCTAGTGATTGCTCTTTCCTGTCAGAA[G>T]ATATTAGGTAAGTGATTTGAATTTCCTGATTTTATTTGAATTTGGACCCTTAGAAGGTAC-3'
Protein context (NP_000544.2, residues 58-78): DASDCSFLSE[Asp68Tyr]ISMSLSDGDV